The following is an entry in ClinVar:

ClinVar aggregate classification (germline): Uncertain significance. Review status: criteria provided, multiple submitters, no conflicts (2 of 4 stars). 3 submissions from 3 submitters: Uncertain significance (3). Last evaluated 2024-07-10.

Conditions:
Hereditary nonpolyposis colorectal neoplasms. Identifiers: MedGen C0009405, MeSH D003123.
Lynch syndrome. Identifiers: Orphanet 144, MedGen C4552100, MONDO:0005835. Disease mechanism: loss of function.
Hereditary cancer-predisposing syndrome. Also called: Hereditary neoplastic syndrome; Tumor predisposition; Neoplastic Syndromes, Hereditary; Hereditary Cancer Syndrome. Identifiers: Orphanet 140162, MedGen C0027672, MeSH D009386, MONDO:0015356.

Submissions (3):

All of Us Research Program, National Institutes of Health
Classification: Uncertain significance for Lynch syndrome. Last evaluated: 2024-07-10. Review status: criteria provided, single submitter. Criteria: ACMG Guidelines, 2015. Collection method: clinical testing. Allele origin: germline. Inheritance: Autosomal dominant inheritance. Observed: 1 variant allele, 1 heterozygote.
Comment: This missense variant replaces aspartic acid with glycine at codon 261 of the PMS2 protein. Computational prediction suggests that this variant may not impact protein structure and function (internally defined REVEL score threshold <= 0.5, PMID: 27666373). To our knowledge, functional studies have not been reported for this variant. This variant has not been reported in individuals affected with PMS2-related disorders in the literature. This variant has not been identified in the general population by the Genome Aggregation Database (gnomAD). The available evidence is insufficient to determine the role of this variant in disease conclusively. Therefore, this variant is classified as a Variant of Uncertain Significance.

This study involves interpretation of variants in research participants for the purpose of population health screening. Participant phenotype was not available at the time of variant classification. Additional details can be found in publication PMID: 35346344, PMCID: PMC8962531

Labcorp Genetics (formerly Invitae), Labcorp
Classification: Uncertain significance for Hereditary nonpolyposis colorectal neoplasms. Last evaluated: 2023-06-05. Review status: criteria provided, single submitter. Criteria: Invitae Variant Classification Sherloc (09022015). Collection method: clinical testing. Allele origin: germline.
Comment: This variant is not present in population databases (gnomAD no frequency). This sequence change replaces aspartic acid, which is acidic and polar, with glycine, which is neutral and non-polar, at codon 261 of the PMS2 protein (p.Asp261Gly). This variant has not been reported in the literature in individuals affected with PMS2-related conditions. ClinVar contains an entry for this variant (Variation ID: 571300). Advanced modeling of protein sequence and biophysical properties (such as structural, functional, and spatial information, amino acid conservation, physicochemical variation, residue mobility, and thermodynamic stability) performed at Invitae indicates that this missense variant is not expected to disrupt PMS2 protein function. In summary, the available evidence is currently insufficient to determine the role of this variant in disease. Therefore, it has been classified as a Variant of Uncertain Significance.

Ambry Genetics
Classification: Uncertain significance for Hereditary cancer-predisposing syndrome. Last evaluated: 2019-10-16. Review status: criteria provided, single submitter. Criteria: Ambry Variant Classification Scheme 2023. Collection method: clinical testing. Allele origin: germline.
Comment: The p.D261G variant (also known as c.782A>G), located in coding exon 7 of the PMS2 gene, results from an A to G substitution at nucleotide position 782. The aspartic acid at codon 261 is replaced by glycine, an amino acid with similar properties. This amino acid position is poorly conserved in available vertebrate species. In addition, this alteration is predicted to be tolerated by in silico analysis. Since supporting evidence is limited at this time, the clinical significance of this alteration remains unclear.

NM_000535.7(PMS2):c.782A>G (p.Asp261Gly)

Gene: PMS2 (PMS1 homolog 2, mismatch repair system component; minus strand). Cytogenetic location: 7p22.1.
Variant type: single nucleotide variant.
Coding change: c.782A>G on transcript NM_000535.7 (MANE Select); coding-DNA position 782, A replaced by G.
Protein change: p.Asp261Gly; replaces aspartic acid 261 with glycine.
Molecular consequence: missense variant. On other transcripts: 5 prime UTR variant (2), non-coding transcript variant (1).
Genome position (GRCh38, 1-based): chr7:5,997,347, T>C on the plus strand (A>G on the coding strand, the complement: PMS2 is on the minus strand). VCF-style: chr7-5997347-T-C. GRCh37 (hg19) VCF-style: chr7-6036978-T-C.
Other names: c.377A>G, p.Asp126Gly (NM_001322003.2, NM_001322004.2, NM_001322005.2 and 2 more transcripts); c.782A>G, p.Asp261Gly (NM_001322006.2, NM_001322014.2); c.464A>G, p.Asp155Gly (NM_001322007.2, NM_001322008.2); c.-152A>G (NM_001322011.2, NM_001322012.2); c.209A>G, p.Asp70Gly (NM_001322013.2); c.473A>G, p.Asp158Gly (NM_001322015.2); short protein forms D261G, D155G, D158G, D126G, D70G.
Identifiers: ClinVar variation 571300 (VCV000571300.12), dbSNP rs1562669887, ClinGen allele CA366743645.